The following is an entry in ClinVar:

NM_000080.4(CHRNE):c.1340G>C (p.Trp447Ser)

Gene: CHRNE (cholinergic receptor nicotinic epsilon subunit; minus strand). Cytogenetic location: 17p13.2.
Variant type: single nucleotide variant.
Coding change: c.1340G>C on transcript NM_000080.4 (MANE Select); coding-DNA position 1340, G replaced by C.
Protein change: p.Trp447Ser; replaces tryptophan 447 with serine.
Molecular consequence: missense variant.
Genome position (GRCh38, 1-based): chr17:4,898,878, C>G on the plus strand (G>C on the coding strand, the complement: CHRNE is on the minus strand). VCF-style: chr17-4898878-C-G. GRCh37 (hg19) VCF-style: chr17-4802173-C-G.
Other names: short protein forms W447S.
Identifiers: ClinVar variation 3769602 (VCV003769602.2).
Genomic context (GRCh38, chr17:4,898,878, plus strand): 5'-CTGAAGAGCACCAGAGCGGCCCAGAAGCAGATGTTGTCAAGGGCATTCCCCATGCGCACC[C>G]AGTCGGACACTTCCTGGGGAAGGGTCGGCACAGTCAGTAAAGAGGCAGCTGCAGGAGCCA-3'
Protein context (NP_000071.1, residues 437-457): QEATGEEVSD[Trp447Ser]VRMGNALDNI

ClinVar aggregate classification (germline): Uncertain significance. Review status: criteria provided, multiple submitters, no conflicts (2 of 4 stars). 2 submissions from 2 submitters: Uncertain significance (2). Last evaluated 2025-12-29.

Conditions:
Ptosis. Also called: Ptosis (disease). Identifiers: MedGen C0005745, MONDO:0000728, HP:0000508.
Congenital myasthenic syndrome 4A. Also called: CONGENITAL MYASTHENIC SYNDROME TYPE Ia1; MYASTHENIC SYNDROME, CONGENITAL, 4A, SLOW-CHANNEL, AUTOSOMAL RECESSIVE; Myasthenic syndrome, congenital, 4a, slow-channel. Identifiers: Orphanet 590, MedGen C4225413, MONDO:0011600, OMIM 605809.

Submissions (2):

Labcorp Genetics (formerly Invitae), Labcorp
Classification: Uncertain significance for Congenital myasthenic syndrome 4A. Last evaluated: 2025-12-29. Review status: criteria provided, single submitter. Criteria: Invitae Variant Classification Sherloc (09022015). Collection method: clinical testing. Allele origin: germline.
Comment: This sequence change replaces tryptophan, which is neutral and slightly polar, with serine, which is neutral and polar, at codon 447 of the CHRNE protein (p.Trp447Ser). This variant is not present in population databases (gnomAD no frequency). This variant has not been reported in the literature in individuals affected with CHRNE-related conditions. ClinVar contains an entry for this variant (Variation ID: 3769602). Invitae Evidence Modeling of protein sequence and biophysical properties (such as structural, functional, and spatial information, amino acid conservation, physicochemical variation, residue mobility, and thermodynamic stability) indicates that this missense variant is expected to disrupt CHRNE protein function with a positive predictive value of 95%. In summary, the available evidence is currently insufficient to determine the role of this variant in disease. Therefore, it has been classified as a Variant of Uncertain Significance.

Clinical Genetics Laboratory, Skane University Hospital Lund
Classification: Uncertain significance for Ptosis. Last evaluated: 2024-10-17. Review status: criteria provided, single submitter. Criteria: ACMG Guidelines, 2015. Collection method: clinical testing. Allele origin: biparental. Affected: yes.
Comment: ACMG criteria used: PM2, PP3